The following is an entry in ClinVar:

ClinVar aggregate classification (germline): Uncertain significance (1 of 4 stars; one submission).

Conditions:
Neurodevelopmental disorder with or without hyperkinetic movements and seizures, autosomal dominant. Also called: Intellectual disability, autosomal dominant 8. Identifiers: MedGen C3280282, MONDO:0013655, OMIM 614254.

gnomAD v4.1: 8 of 1,603,190 alleles (0.0005%); highest among the groups gnomAD compares: East Asian, 0.018%; no homozygotes.

Submission:

Labcorp Genetics (formerly Invitae), Labcorp
Classification: Uncertain significance for Neurodevelopmental disorder with or without hyperkinetic movements and seizures, autosomal dominant. Last evaluated: 2024-04-03. Review status: criteria provided, single submitter. Criteria: Invitae Variant Classification Sherloc (09022015). Collection method: clinical testing. Allele origin: germline.
Comment: This sequence change affects codon 584 of the GRIN1 mRNA. It is a 'silent' change, meaning that it does not change the encoded amino acid sequence of the GRIN1 protein. It affects a nucleotide within the consensus splice site. This variant is present in population databases (rs753854462, gnomAD 0.02%). This variant has not been reported in the literature in individuals affected with GRIN1-related conditions. Algorithms developed to predict the effect of sequence changes on RNA splicing suggest that this variant is not likely to affect RNA splicing. In summary, the available evidence is currently insufficient to determine the role of this variant in disease. Therefore, it has been classified as a Variant of Uncertain Significance.

NM_007327.4(GRIN1):c.1752C>T (p.Ser584=)

Gene: GRIN1 (glutamate ionotropic receptor NMDA type subunit 1; plus strand). Cytogenetic location: 9q34.3.
Variant type: single nucleotide variant.
Coding change: c.1752C>T on transcript NM_007327.4 (MANE Select); coding-DNA position 1752, C replaced by T.
Protein change: p.Ser584=; no amino-acid change (serine 584 retained).
Molecular consequence: synonymous variant.
Genome position (GRCh38, 1-based): chr9:137,162,404, C>T. VCF-style: chr9-137162404-C-T. GRCh37 (hg19) VCF-style: chr9-140056856-C-T.
Other names: c.1752C>T, p.Ser584= (NM_000832.7, NM_021569.4); c.1815C>T, p.Ser605= (NM_001185090.2, NM_001185091.2).
Identifiers: ClinVar variation 3710157 (VCV003710157.2).